The following is an entry in ClinVar:

ClinVar aggregate classification (germline): Pathogenic. Review status: criteria provided, multiple submitters, no conflicts (2 of 4 stars). 2 submissions from 2 submitters: Pathogenic (2). Last evaluated 2025-11-18.

Conditions:
Phenylketonuria (PKU). Also called: FOLLING DISEASE; Phenylketonurias; Phenylketonuria (PKU); OLIGOPHRENIA PHENYLPYRUVICA. Identifiers: Orphanet 716, MedGen C0031485, MONDO:0009861, OMIM 261600. Disease mechanism: loss of function.

Submissions (2):

Victorian Clinical Genetics Services, Murdoch Childrens Research Institute
Classification: Pathogenic for Phenylketonuria. Last evaluated: 2025-11-18. Review status: criteria provided, single submitter. Criteria: ACMG Guidelines, 2015. Collection method: clinical testing. Allele origin: germline.
Comment: This variant is classified as Pathogenic. Evidence in support of pathogenic classification: Variant is predicted to cause nonsense-mediated decay (NMD) and loss of protein (premature termination codon is located at least 54 nucleotides upstream of the final exon-exon junction); Variant is present in gnomAD <0.01 for a recessive condition (v4: 2 heterozygote(s), 0 homozygote(s)); This variant has limited previous evidence of pathogenicity in an unrelated individual. It has been classified as pathogenic by a clinical laboratory (ClinVar); Other NMD-predicted variant(s) comparable to the one identified in this case have very strong previous evidence for pathogenicity (DECIPHER). Additional information: This variant is heterozygous; This gene is associated with autosomal recessive disease; Loss of function is a known mechanism of disease in this gene and is associated with phenylketonuria (MIM#261600).

Labcorp Genetics (formerly Invitae), Labcorp
Classification: Pathogenic for Phenylketonuria. Last evaluated: 2023-07-29. Review status: criteria provided, single submitter. Criteria: Invitae Variant Classification Sherloc (09022015). Collection method: clinical testing. Allele origin: germline.
Comment: This variant has not been reported in the literature in individuals affected with PAH-related conditions. ClinVar contains an entry for this variant (Variation ID: 2104422). For these reasons, this variant has been classified as Pathogenic. This variant is not present in population databases (gnomAD no frequency). This sequence change creates a premature translational stop signal (p.Pro292Phefs*21) in the PAH gene. It is expected to result in an absent or disrupted protein product. Loss-of-function variants in PAH are known to be pathogenic (PMID: 1301187, 9634518).

Literature cited by the submitters: PubMed 1301187 (cited by Labcorp Genetics (formerly Invitae), Labcorp); PubMed 9634518 (cited by Labcorp Genetics (formerly Invitae), Labcorp).

NM_000277.3(PAH):c.873_880del (p.Pro292fs)

Genes: PAH (phenylalanine hydroxylase; minus strand), LOC126861615 (CDK7 strongly-dependent group 2 enhancer GRCh37_chr12:103244689-103245888; plus strand). Cytogenetic location: 12q23.2.
Variant type: Deletion.
Coding change: c.873_880del on transcript NM_000277.3 (MANE Select); coding-DNA positions 873 to 880, 8 bases deleted (GCCCTTGT; older notation c.873_880delGCCCTTGT).
Protein change: p.Pro292fs; shifts the reading frame from proline 292.
Molecular consequence: frameshift variant.
Genome position (GRCh38, 1-based): chr12:102,851,719-102,851,726, ACAAGGGC deleted on the plus strand (GCCCTTGT on the coding strand, the reverse complement: PAH is on the minus strand); deleting any 8 consecutive bases within chr12:102,851,719-102,851,729 gives the same sequence; the c. name uses the placement nearest the transcript's 3' end. VCF-style (leftmost placement, unchanged base first): chr12-102851718-AACAAGGGC-A. GRCh37 (hg19) VCF-style: chr12-103245496-AACAAGGGC-A.
Other names: c.873_880del, p.Pro292fs (NM_001354304.2); short protein forms P292fs.
Identifiers: ClinVar variation 2104422 (VCV002104422.5), dbSNP rs1875158272, ClinGen allele CA2059444530.